The following is an entry in ClinVar:

NM_015570.4(AUTS2):c.3377ACC[3] (p.His1129_His1133del)

Gene: AUTS2 (activator of transcription and developmental regulator AUTS2; plus strand). Cytogenetic location: 7q11.22.
Variant type: Microsatellite.
Coding change: c.3377ACC[3] on transcript NM_015570.4 (MANE Select); three copies in a row of the 3-base unit ACC starting at c.3377; the reference has eight copies in a row; five copies, 15 bases deleted.
Protein change: p.His1129_His1133del.
Molecular consequence: inframe deletion.
Genome position (GRCh38, 1-based): chr7:70,790,602-70,790,616, ACCACCACCACCACC deleted; deleting any 15 consecutive bases within chr7:70,790,591-70,790,616 gives the same sequence; the position shown is the placement nearest the transcript's 3' end. VCF-style (leftmost placement, unchanged base first): chr7-70790590-GCCACCACCACCACCA-G. GRCh37 (hg19) VCF-style: chr7-70255576-GCCACCACCACCACCA-G.
Other names: c.3305ACC[3], p.His1105_His1109del (NM_001127231.3).
Identifiers: ClinVar variation 2657540 (VCV002657540.24), dbSNP rs538005366, ClinGen allele CA456045874.

ClinVar aggregate classification (germline): Uncertain significance (1 of 4 stars; one submission).

Submission:

CeGaT Center for Human Genetics Tuebingen
Classification: Uncertain significance. Last evaluated: 2023-04-01. Review status: criteria provided, single submitter. Criteria: CeGaT Center For Human Genetics Tuebingen Variant Classification Criteria Version 2. Collection method: clinical testing. Allele origin: germline. Affected: yes. Observed: 1 variant allele.
Comment: AUTS2: PM4